The following is an entry in ClinVar:

NM_024009.3(GJB3):c.328G>A (p.Gly110Arg)

Gene: GJB3 (gap junction protein beta 3; plus strand). Cytogenetic location: 1p34.3.
Variant type: single nucleotide variant.
Coding change: c.328G>A on transcript NM_024009.3 (MANE Select); coding-DNA position 328, G replaced by A.
Protein change: p.Gly110Arg; replaces glycine 110 with arginine.
Molecular consequence: missense variant.
Genome position (GRCh38, 1-based): chr1:34,785,090, G>A. VCF-style: chr1-34785090-G-A. GRCh37 (hg19) VCF-style: chr1-35250691-G-A.
Other names: c.328G>A, p.Gly110Arg (NM_001005752.2); short protein forms G110R.
Identifiers: ClinVar variation 1205025 (VCV001205025.11), dbSNP rs143866277, ClinGen allele CA754809.

ClinVar aggregate classification (germline): Uncertain significance. Review status: criteria provided, multiple submitters, no conflicts (2 of 4 stars). 3 submissions from 3 submitters: Uncertain significance (3). Last evaluated 2026-01-16.

Allele frequency attached by ClinVar (database versions not stated): gnomAD 0.00004; ESP Exome Variant Server 0.00008.
gnomAD v4.1: 32 of 1,613,954 alleles (0.002%); highest among the groups gnomAD compares: African/African-American, 0.012%; no homozygotes.

Submissions (3):

Women's Health and Genetics/Laboratory Corporation of America, LabCorp
Classification: Uncertain significance. Last evaluated: 2026-01-16. Review status: criteria provided, single submitter. Criteria: LabCorp Variant Classification Summary - May 2015. Collection method: clinical testing. Allele origin: germline.
Comment: Variant summary: GJB3 c.328G>A (p.Gly110Arg) results in a non-conservative amino acid change in the encoded protein sequence. Algorithms developed to predict the effect of missense changes on protein structure and function all suggest that this variant is likely to be disruptive. The variant allele was found at a frequency of 1.2e-05 in 250704 control chromosomes. The available data on variant occurrences in the general population are insufficient to allow any conclusion about variant significance. To our knowledge, no occurrence of c.328G>A in individuals affected with GJB3-related conditions and no experimental evidence demonstrating its impact on protein function have been reported. ClinVar contains an entry for this variant (Variation ID: 1205025). Based on the evidence outlined above, the variant was classified as uncertain significance.

Labcorp Genetics (formerly Invitae), Labcorp
Classification: Uncertain significance. Last evaluated: 2022-05-21. Review status: criteria provided, single submitter. Criteria: Invitae Variant Classification Sherloc (09022015). Collection method: clinical testing. Allele origin: germline.
Comment: ClinVar contains an entry for this variant (Variation ID: 1205025). Algorithms developed to predict the effect of missense changes on protein structure and function are either unavailable or do not agree on the potential impact of this missense change (SIFT: "Deleterious"; PolyPhen-2: "Probably Damaging"; Align-GVGD: "Class C0"). In summary, the available evidence is currently insufficient to determine the role of this variant in disease. Therefore, it has been classified as a Variant of Uncertain Significance. This variant has not been reported in the literature in individuals affected with GJB3-related conditions. This variant is present in population databases (rs143866277, gnomAD 0.008%). This sequence change replaces glycine, which is neutral and non-polar, with arginine, which is basic and polar, at codon 110 of the GJB3 protein (p.Gly110Arg).

GeneDx
Classification: Uncertain significance. Last evaluated: 2022-01-03. Review status: criteria provided, single submitter. Criteria: GeneDx Variant Classification Process June 2021. Collection method: clinical testing. Allele origin: germline. Affected: yes.
Comment: In silico analysis supports that this missense variant has a deleterious effect on protein structure/function; Has not been previously published as pathogenic or benign to our knowledge